The following is an entry in ClinVar:

ClinVar aggregate classification (germline): Uncertain significance (1 of 4 stars; one submission).

Submission:

GeneDx
Classification: Uncertain significance. Last evaluated: 2025-08-08. Review status: criteria provided, single submitter. Criteria: GeneDx Variant Classification Process June 2021. Collection method: clinical testing. Allele origin: germline. Affected: yes.
Comment: Not observed at significant frequency in large population cohorts (gnomAD); In silico analysis supports that this missense variant has a deleterious effect on protein structure/function; Has not been previously published as pathogenic or benign to our knowledge

NM_080552.3(SLC32A1):c.512A>G (p.Tyr171Cys)

Gene: SLC32A1 (solute carrier family 32 member 1; plus strand). Cytogenetic location: 20q11.23.
Variant type: single nucleotide variant.
Coding change: c.512A>G on transcript NM_080552.3 (MANE Select); coding-DNA position 512, A replaced by G.
Protein change: p.Tyr171Cys; replaces tyrosine 171 with cysteine.
Molecular consequence: missense variant.
Genome position (GRCh38, 1-based): chr20:38,727,573, A>G. VCF-style: chr20-38727573-A-G. GRCh37 (hg19) VCF-style: chr20-37356216-A-G.
Other names: short protein forms Y171C.
Identifiers: ClinVar variation 4755988 (VCV004755988.1).